The following is an entry in ClinVar:

ClinVar aggregate classification (germline): Likely pathogenic (1 of 4 stars; one submission).

gnomAD v4.1: 1 of 1,606,764 alleles (0.000062%); highest among the groups gnomAD compares: Non-Finnish European, 0.000085%; no homozygotes.

Submission:

GeneDx
Classification: Likely pathogenic. Last evaluated: 2026-09-06. Review status: criteria provided, single submitter. Criteria: GeneDx Variant Classification Process June 2021. Collection method: clinical testing. Allele origin: germline.
Comment: Not observed at significant frequency in large population cohorts (gnomAD); In silico analysis supports that this missense variant has a deleterious effect on protein structure/function; Has not been previously published as pathogenic or benign to our knowledge

NM_005324.5(H3-3B):c.68C>T (p.Thr23Met)

Gene: H3-3B (H3.3 histone B; minus strand). Cytogenetic location: 17q25.1.
Variant type: single nucleotide variant.
Coding change: c.68C>T on transcript NM_005324.5 (MANE Select); coding-DNA position 68, C replaced by T.
Protein change: p.Thr23Met; replaces threonine 23 with methionine.
Molecular consequence: missense variant.
Genome position (GRCh38, 1-based): chr17:75,779,107, G>A on the plus strand (C>T on the coding strand, the complement: H3-3B is on the minus strand). VCF-style: chr17-75779107-G-A. GRCh37 (hg19) VCF-style: chr17-73775188-G-A.
Other names: short protein forms T23M.
Identifiers: ClinVar variation 4086480 (VCV004086480.2).